The following is an entry in ClinVar:

NM_001010867.4(IBA57):c.27C>T (p.Gly9=)

Gene: IBA57 (iron-sulfur cluster assembly factor IBA57; plus strand). Cytogenetic location: 1q42.13.
Variant type: single nucleotide variant.
Coding change: c.27C>T on transcript NM_001010867.4 (MANE Select); coding-DNA position 27, C replaced by T.
Protein change: p.Gly9=; no amino-acid change (glycine 9 retained).
Molecular consequence: synonymous variant.
Genome position (GRCh38, 1-based): chr1:228,165,843, C>T. VCF-style: chr1-228165843-C-T. GRCh37 (hg19) VCF-style: chr1-228353544-C-T.
Identifiers: ClinVar variation 1879115 (VCV001879115.34), dbSNP rs752452894, ClinGen allele CA1431052.

ClinVar aggregate classification (germline): Likely benign. Review status: criteria provided, multiple submitters, no conflicts (2 of 4 stars). 2 submissions from 2 submitters: Likely benign (2). Last evaluated 2025-01-06.

Conditions:
Multiple mitochondrial dysfunctions syndrome 3 (MMDS3). Identifiers: Orphanet 363424, MedGen C3809165, MONDO:0014132, OMIM 615330.
Hereditary spastic paraplegia 74. Also called: Spastic paraplegia 74, autosomal recessive. Identifiers: Orphanet 468661, MedGen C5568837, MONDO:0014644, OMIM 616451.

Allele frequency attached by ClinVar (database versions not stated): TOPMed below 0.00001; gnomAD 0.00001; gnomAD exomes 0.00001.

Submissions (2):

Labcorp Genetics (formerly Invitae), Labcorp
Classification: Likely benign for Multiple mitochondrial dysfunctions syndrome 3; Hereditary spastic paraplegia 74. Last evaluated: 2025-01-06. Review status: criteria provided, single submitter. Criteria: Invitae Variant Classification Sherloc (09022015). Collection method: clinical testing. Allele origin: germline.

CeGaT Center for Human Genetics Tuebingen
Classification: Likely benign. Last evaluated: 2022-12-01. Review status: criteria provided, single submitter. Criteria: CeGaT Center For Human Genetics Tuebingen Variant Classification Criteria Version 2. Collection method: clinical testing. Allele origin: germline. Affected: yes. Observed: 1 variant allele.
Comment: IBA57: BP4, BP7